The following is an entry in ClinVar:

NM_000535.7(PMS2):c.2197G>A (p.Ala733Thr)

Gene: PMS2 (PMS1 homolog 2, mismatch repair system component; minus strand). Cytogenetic location: 7p22.1.
Variant type: single nucleotide variant.
Coding change: c.2197G>A on transcript NM_000535.7 (MANE Select); coding-DNA position 2197, G replaced by A.
Protein change: p.Ala733Thr; replaces alanine 733 with threonine.
Molecular consequence: missense variant. On other transcripts: non-coding transcript variant (1).
Genome position (GRCh38, 1-based): chr7:5,978,674, C>T on the plus strand (G>A on the coding strand, the complement: PMS2 is on the minus strand). VCF-style: chr7-5978674-C-T. GRCh37 (hg19) VCF-style: chr7-6018305-C-T.
Other names: c.1792G>A, p.Ala598Thr (NM_001018040.1, NM_001322003.2, NM_001322004.2 and 15 more transcripts); c.2041G>A, p.Ala681Thr (NM_001322006.2, NM_001406870.1); c.1879G>A, p.Ala627Thr (NM_001322007.2, NM_001322008.2, NM_001406876.1 and 1 more transcripts); c.1636G>A, p.Ala546Thr (NM_001322010.2, NM_001406906.1, NM_001406907.1); c.1264G>A, p.Ala422Thr (NM_001322011.2, NM_001322012.2); c.1624G>A, p.Ala542Thr (NM_001322013.2, NM_001406908.1, NM_001406909.1); c.2197G>A, p.Ala733Thr (NM_001322014.2); c.1888G>A, p.Ala630Thr (NM_001322015.2, NM_001406875.1, NM_001406877.1 and 5 more transcripts); and 14 more; short protein forms A476T, A571T, A575T, A621T, A627T, A667T, A578T, A611T.
Identifiers: ClinVar variation 1787508 (VCV001787508.2), dbSNP rs2535397421, ClinGen allele CA366736868.

ClinVar aggregate classification (germline): Uncertain significance (1 of 4 stars; one submission).

Conditions:
Hereditary cancer-predisposing syndrome. Also called: Neoplastic Syndromes, Hereditary; Tumor predisposition; Hereditary Cancer Syndrome; Hereditary neoplastic syndrome. Identifiers: Orphanet 140162, MedGen C0027672, MeSH D009386, MONDO:0015356.

Submission:

Ambry Genetics
Classification: Uncertain significance for Hereditary cancer-predisposing syndrome. Last evaluated: 2022-07-19. Review status: criteria provided, single submitter. Criteria: Ambry Variant Classification Scheme 2023. Collection method: clinical testing. Allele origin: germline.
Comment: The p.A733T variant (also known as c.2197G>A), located in coding exon 13 of the PMS2 gene, results from a G to A substitution at nucleotide position 2197. The alanine at codon 733 is replaced by threonine, an amino acid with similar properties. This amino acid position is conserved. In addition, the in silico prediction for this alteration is inconclusive. Since supporting evidence is limited at this time, the clinical significance of this alteration remains unclear.